The following is an entry in ClinVar:

ClinVar aggregate classification (germline): Benign. Review status: criteria provided, multiple submitters, no conflicts (2 of 4 stars). 4 submissions from 4 submitters: Benign (3). 1 of the submissions does not count toward it. Last evaluated 2025-05-01.

Conditions:
DNHD1-related disorder. Also called: DNHD1-related condition.

Allele frequency attached by ClinVar (database versions not stated): 1000 Genomes Project 0.00260; 1000 Genomes Project 30x 0.00281; ExAC 0.00510; gnomAD exomes 0.00512 and 0.00916; gnomAD 0.00587 and 0.00614; TOPMed 0.00626; ESP Exome Variant Server 0.00811.

Submissions (4):

CeGaT Center for Human Genetics Tuebingen
Classification: Benign. Last evaluated: 2025-05-01. Review status: criteria provided, single submitter. Criteria: CeGaT Center For Human Genetics Tuebingen Variant Classification Criteria Version 2. Collection method: clinical testing. Allele origin: germline. Affected: yes. Observed: 4 variant alleles.
Comment: DNHD1: BP4, BP7, BS1, BS2

Labcorp Genetics (formerly Invitae), Labcorp
Classification: Benign. Last evaluated: 2019-12-31. Review status: criteria provided, single submitter. Criteria: Invitae Variant Classification Sherloc (09022015). Collection method: clinical testing. Allele origin: germline.

Breakthrough Genomics
Classification: Benign. Review status: criteria provided, single submitter. Criteria: ACMG Guidelines, 2015. Collection method: not provided. Allele origin: germline. Inheritance: Autosomal recessive inheritance. Affected: yes.

PreventionGenetics, part of Exact Sciences
Classification: Likely benign for DNHD1-related condition. Last evaluated: 2019-02-25. Review status: no assertion criteria provided. Collection method: clinical testing. Allele origin: germline. Not counted in ClinVar's aggregate classification.
Comment: This variant is classified as likely benign based on ACMG/AMP sequence variant interpretation guidelines (Richards et al. 2015 PMID: 25741868, with internal and published modifications).

NM_144666.3(DNHD1):c.3246G>A (p.Glu1082=)

Gene: DNHD1 (dynein heavy chain domain 1; plus strand). Cytogenetic location: 11p15.4.
Variant type: single nucleotide variant.
Coding change: c.3246G>A on transcript NM_144666.3 (MANE Select); coding-DNA position 3246, G replaced by A.
Protein change: p.Glu1082=; no amino-acid change (glutamic acid 1082 retained).
Molecular consequence: synonymous variant.
Genome position (GRCh38, 1-based): chr11:6,538,731, G>A. VCF-style: chr11-6538731-G-A. GRCh37 (hg19) VCF-style: chr11-6559961-G-A.
Identifiers: ClinVar variation 774688 (VCV000774688.30), dbSNP rs118078642, ClinGen allele CA5855876.
Genomic context (GRCh38, chr11:6,538,731, plus strand): 5'-GAGCACAACCCTGGAGCTGCACAGCCCCGTGCTGCAGCACTGCATGCGCATCCTGGGGGA[G>A]TTTCGCAGCTACCTGCCCCTGCTCACTAAGCTGGGCAGCCTCCACCCACAGAGCCTCAAC-3'
Protein context (NP_653267.2, residues 1072-1092): VLQHCMRILG[Glu1082=]FRSYLPLLTK